The following is an entry in ClinVar:

NM_024757.5(EHMT1):c.799A>C (p.Met267Leu)

Gene: EHMT1 (euchromatic histone lysine methyltransferase 1; plus strand). Cytogenetic location: 9q34.3.
Variant type: single nucleotide variant.
Coding change: c.799A>C on transcript NM_024757.5 (MANE Select); coding-DNA position 799, A replaced by C.
Protein change: p.Met267Leu; replaces methionine 267 with leucine.
Molecular consequence: missense variant.
Genome position (GRCh38, 1-based): chr9:137,728,505, A>C. VCF-style: chr9-137728505-A-C. GRCh37 (hg19) VCF-style: chr9-140622957-A-C.
Other names: c.799A>C (NM_024757.4); c.799A>C, p.Met267Leu (NM_001145527.2, NM_001354263.2, NM_001354611.2); c.706A>C, p.Met236Leu (NM_001354259.2, NM_001354612.2); short protein forms M236L, M267L.
Identifiers: ClinVar variation 1356838 (VCV001356838.9), dbSNP rs139268115, ClinGen allele CA201811817.

ClinVar aggregate classification (germline): Conflicting classifications of pathogenicity. Review status: criteria provided, conflicting classifications (1 of 4 stars). 2 submissions from 2 submitters: Uncertain significance (1); Benign (1). Last evaluated 2026-08-13.

Conditions:
Inborn genetic diseases. Identifiers: MedGen C0950123, MeSH D030342.
Kleefstra syndrome 1 (KLEFS1). Identifiers: Orphanet 261494, MedGen C0795833, MONDO:0027407, OMIM 610253.

Allele frequency attached by ClinVar (database versions not stated): TOPMed below 0.00001.
gnomAD v4.1: 4 of 1,614,140 alleles (0.00025%); highest among the groups gnomAD compares: Non-Finnish European, 0.00034%; no homozygotes.

Submissions (2):

Ambry Genetics
Classification: Uncertain significance for Inborn genetic diseases. Last evaluated: 2026-08-13. Review status: criteria provided, single submitter. Criteria: Ambry Variant Classification Scheme 2023. Collection method: clinical testing. Allele origin: germline.
Comment: The c.799A>C (p.M267L) alteration is located in exon 4 (coding exon 4) of the EHMT1 gene. This alteration results from a A to C substitution at nucleotide position 799, causing the methionine (M) at amino acid position 267 to be replaced by a leucine (L). Based on data from gnomAD, the C allele has an overall frequency of <0.001% (1/251488) total alleles studied. The highest observed frequency was 0.001% (1/113762) of European (non-Finnish) alleles. Based on insufficient or conflicting evidence, the clinical significance of this alteration remains unclear.

Labcorp Genetics (formerly Invitae), Labcorp
Classification: Benign for Kleefstra syndrome 1. Last evaluated: 2025-05-11. Review status: criteria provided, single submitter. Criteria: Invitae Variant Classification Sherloc (09022015). Collection method: clinical testing. Allele origin: germline.